The following is an entry in ClinVar:

NM_001005242.3(PKP2):c.2404T>C (p.Ser802Pro)

Gene: PKP2 (plakophilin 2; minus strand). Cytogenetic location: 12p11.21.
Variant type: single nucleotide variant.
Coding change: c.2404T>C on transcript NM_001005242.3 (MANE Select); coding-DNA position 2404, T replaced by C.
Protein change: p.Ser802Pro; replaces serine 802 with proline.
Molecular consequence: missense variant.
Genome position (GRCh38, 1-based): chr12:32,792,685, A>G on the plus strand (T>C on the coding strand, the complement: PKP2 is on the minus strand). VCF-style: chr12-32792685-A-G. GRCh37 (hg19) VCF-style: chr12-32945619-A-G.
Other names: c.2536T>C, p.Ser846Pro (NM_004572.4); short protein forms S802P, S846P.
Identifiers: ClinVar variation 1362428 (VCV001362428.8), dbSNP rs1183143350, ClinGen allele CA384356916.

ClinVar aggregate classification (germline): Uncertain significance (1 of 4 stars; one submission).

Conditions:
Arrhythmogenic right ventricular dysplasia 9 (ARVD9). Also called: ARRHYTHMOGENIC RIGHT VENTRICULAR DYSPLASIA, FAMILIAL, 9; Arrhythmogenic Right Ventricular Dysplasia/Cardiomyopathy 9. Identifiers: MedGen C1836906, MONDO:0012180, OMIM 609040.

Submission:

Labcorp Genetics (formerly Invitae), Labcorp
Classification: Uncertain significance for Arrhythmogenic right ventricular dysplasia 9. Last evaluated: 2021-09-10. Review status: criteria provided, single submitter. Criteria: Invitae Variant Classification Sherloc (09022015). Collection method: clinical testing. Allele origin: germline.
Comment: This variant has not been reported in the literature in individuals with PKP2-related conditions. This sequence change replaces serine with proline at codon 846 of the PKP2 protein (p.Ser846Pro). The serine residue is moderately conserved and there is a moderate physicochemical difference between serine and proline. This variant is not present in population databases (ExAC no frequency). Algorithms developed to predict the effect of missense changes on protein structure and function are either unavailable or do not agree on the potential impact of this missense change (SIFT: "Deleterious"; PolyPhen-2: "Probably Damaging"; Align-GVGD: "Class C0"). In summary, the available evidence is currently insufficient to determine the role of this variant in disease. Therefore, it has been classified as a Variant of Uncertain Significance.